The following is an entry in ClinVar:

NM_005546.4(ITK):c.1363G>C (p.Ala455Pro)

Gene: ITK (IL2 inducible T cell kinase; plus strand). Cytogenetic location: 5q33.3.
Variant type: single nucleotide variant.
Coding change: c.1363G>C on transcript NM_005546.4 (MANE Select); coding-DNA position 1363, G replaced by C.
Protein change: p.Ala455Pro; replaces alanine 455 with proline.
Molecular consequence: missense variant.
Genome position (GRCh38, 1-based): chr5:157,244,392, G>C. VCF-style: chr5-157244392-G-C. GRCh37 (hg19) VCF-style: chr5-156671402-G-C.
Other names: short protein forms A455P.
Identifiers: ClinVar variation 2768453 (VCV002768453.3), dbSNP rs2532156526, ClinGen allele CA361961672.

ClinVar aggregate classification (germline): Uncertain significance (1 of 4 stars; one submission).

Conditions:
Lymphoproliferative syndrome 1 (LPFS1). Identifiers: Orphanet 238505, Orphanet 538963, MedGen C3552634, MONDO:0013081, OMIM 613011.

Submission:

Labcorp Genetics (formerly Invitae), Labcorp
Classification: Uncertain significance for Lymphoproliferative syndrome 1. Last evaluated: 2023-10-14. Review status: criteria provided, single submitter. Criteria: Invitae Variant Classification Sherloc (09022015). Collection method: clinical testing. Allele origin: germline.
Comment: This sequence change replaces alanine, which is neutral and non-polar, with proline, which is neutral and non-polar, at codon 455 of the ITK protein (p.Ala455Pro). This variant is not present in population databases (gnomAD no frequency). This variant has not been reported in the literature in individuals affected with ITK-related conditions. Advanced modeling of protein sequence and biophysical properties (such as structural, functional, and spatial information, amino acid conservation, physicochemical variation, residue mobility, and thermodynamic stability) performed at Invitae indicates that this missense variant is not expected to disrupt ITK protein function. In summary, the available evidence is currently insufficient to determine the role of this variant in disease. Therefore, it has been classified as a Variant of Uncertain Significance.